The following is an entry in ClinVar:

NM_002528.7(NTHL1):c.632C>G (p.Pro211Arg)

Gene: NTHL1 (nth like DNA glycosylase 1; minus strand). Cytogenetic location: 16p13.3.
Variant type: single nucleotide variant.
Coding change: c.632C>G on transcript NM_002528.7 (MANE Select); coding-DNA position 632, C replaced by G.
Protein change: p.Pro211Arg; replaces proline 211 with arginine.
Molecular consequence: missense variant.
Genome position (GRCh38, 1-based): chr16:2,043,620, G>C on the plus strand (C>G on the coding strand, the complement: NTHL1 is on the minus strand). VCF-style: chr16-2043620-G-C. GRCh37 (hg19) VCF-style: chr16-2093621-G-C.
Other names: c.461C>G, p.Pro154Arg (NM_001318193.2); c.302C>G, p.Pro101Arg (NM_001318194.2); short protein forms P211R, P154R, P101R.
Identifiers: ClinVar variation 1754227 (VCV001754227.4), dbSNP rs2084298434, ClinGen allele CA394291282.
Genomic context (GRCh38, chr16:2,043,620, plus strand): 5'-TACTCACCAATGCCTGACACAGTGCCCCAGGCCACAGCCATAGCCAGGTGTGCCATCTTG[G>C]GCCCAACACCCGGCAGCGCCACCAGCTCGGCCACAGAGGCTGGGATGTCCCCACCGTAGT-3'
Protein context (NP_002519.2, residues 201-221): AELVALPGVG[Pro211Arg]KMAHLAMAVA

ClinVar aggregate classification (germline): Uncertain significance. Review status: criteria provided, multiple submitters, no conflicts (2 of 4 stars). 2 submissions from 2 submitters: Uncertain significance (2). Last evaluated 2025-10-30.

Conditions:
Hereditary cancer-predisposing syndrome. Also called: Hereditary Cancer Syndrome; Hereditary neoplastic syndrome; Tumor predisposition; Neoplastic Syndromes, Hereditary. Identifiers: Orphanet 140162, MedGen C0027672, MeSH D009386, MONDO:0015356.
Familial adenomatous polyposis 3. Also called: NTHL1-related attenuated familial adenomatous polyposis; NTHL1-Related Adenomatous Polyposis and Colorectal Cancer; NTHL1-associated polyposis; NTHL1 Tumor Syndrome. Identifiers: Orphanet 220460, Orphanet 454840, MedGen C4225157, MONDO:0014630, OMIM 616415.

Submissions (2):

Ambry Genetics
Classification: Uncertain significance for Hereditary cancer-predisposing syndrome. Last evaluated: 2025-10-30. Review status: criteria provided, single submitter. Criteria: Ambry Variant Classification Scheme 2023. Collection method: clinical testing. Allele origin: germline.
Comment: The p.P219R variant (also known as c.656C>G), located in coding exon 4 of the NTHL1 gene, results from a C to G substitution at nucleotide position 656. The proline at codon 219 is replaced by arginine, an amino acid with dissimilar properties. This amino acid position is conserved. In addition, the in silico prediction for this alteration is inconclusive. Since supporting evidence is limited at this time, the clinical significance of this alteration remains unclear.

Helix
Classification: Uncertain significance for Familial adenomatous polyposis 3. Last evaluated: 2025-10-23. Review status: criteria provided, single submitter. Criteria: ACMG Guidelines, 2015. Collection method: clinical testing. Allele origin: germline. Inheritance: Autosomal recessive inheritance.
Comment: This variant (NM_002528.7:c.632C>G p.Pro211Arg) results in the substitution of proline with arginine at codon 211 in the NTHL1 protein. It is a rare variant that is absent from the large gnomAD population database (v4.1). To our knowledge, this variant has not been reported in individuals with NTHL1-related conditions in the published literature. Functional studies assessing protein function are either insufficient or inconclusive (PMID: 11380260). In silico prediction from REVEL (PMID: 27666373) is indeterminate. This variant is present in ClinVar (Variation ID: 1754227). In conclusion, since the available evidence is limited, the clinical significance of this variant is unclear at this time. Therefore, it is classified as a Variant of Uncertain Significance.